The following is an entry in ClinVar:

NC_000019.9:g.(?_1206907)_(1222011_?)dup

Genes: STK11 (serine/threonine kinase 11; plus strand), LOC130062897 (ATAC-STARR-seq lymphoblastoid active region 13595; plus strand), LOC121627843 (Sharpr-MPRA regulatory region 9448; plus strand), LOC125371447 (Sharpr-MPRA regulatory region 13808; plus strand), LOC130062898 (ATAC-STARR-seq lymphoblastoid active region 13596; plus strand) and 3 more. Cytogenetic location: 19p13.3.
Variant type: Duplication.
Identifiers: ClinVar variation 458006 (VCV000458006.2).

ClinVar aggregate classification (germline): Uncertain significance (1 of 4 stars; one submission).

Conditions:
Peutz-Jeghers syndrome (PJS). Also called: POLYPOSIS, HAMARTOMATOUS INTESTINAL; POLYPS-AND-SPOTS SYNDROME; Peutz-Jeghers polyposis; Periorificial lentiginosis syndrome. Identifiers: Orphanet 2869, MedGen C0031269, MeSH D010580, MONDO:0008280, OMIM 175200.

Submission:

Labcorp Genetics (formerly Invitae), Labcorp
Classification: Uncertain significance for Peutz-Jeghers syndrome. Last evaluated: 2019-11-30. Review status: criteria provided, single submitter. Criteria: Invitae Variant Classification Sherloc (09022015). Collection method: clinical testing. Allele origin: germline.
Comment: This variant is a gross duplication of the genomic region encompassing exons 1-7 of the STK11 gene. The 5' end of this event is unknown as it extends beyond the assayed region for this gene and therefore may encompass additional genes. The 3' boundary is likely confined to intron 7 of the STK11 gene. This variant has not been reported in the literature in individuals with an STK11-related disease. In summary, this is a sub-genic duplication involving the first coding exon of the STK11 gene. However, the genomic location and orientation of the duplicated sequence are unknown. For these reasons, this change has been classified as a Variant of Uncertain Significance.